The following is an entry in ClinVar:

ClinVar aggregate classification (germline): Likely pathogenic (1 of 4 stars; one submission).

Conditions:
Glomuvenous malformation. Also called: Familial glomangioma; VENOUS MALFORMATIONS WITH GLOMUS CELLS; GLOMANGIOMAS, MULTIPLE; GLOMUS TUMORS, MULTIPLE. Identifiers: Orphanet 83454, MedGen C1841984, MONDO:0007672, OMIM 138000.

Submission:

Juno Genomics, Hangzhou Juno Genomics, Inc
Classification: Likely pathogenic for Glomuvenous malformation. Review status: criteria provided, single submitter. Criteria: ACMG Guidelines, 2015. Collection method: clinical testing. Allele origin: germline.
Comment: Absent from controls (or at extremely low frequency if recessive) in Genome Aggregation Database.;Null variant in a gene where loss of function (LOF) is a known mechanism of disease.

NM_053274.3(GLMN):c.1299+1_1299+8del

Gene: GLMN (glomulin; minus strand). Cytogenetic location: 1p22.1.
Variant type: Deletion.
Coding change: c.1299+1_1299+8del on transcript NM_053274.3 (MANE Select); the canonical splice donor site of the intron after coding-DNA position 1299 through 8 bases into the intron after coding-DNA position 1299, 8 bases deleted (GTAAGAAC; older notation c.1299+1_1299+8delGTAAGAAC).
Molecular consequence: splice donor variant.
Genome position (GRCh38, 1-based): chr1:92,264,546-92,264,553, GTTCTTAC deleted on the plus strand (GTAAGAAC on the coding strand, the reverse complement: GLMN is on the minus strand). VCF-style (leftmost placement, unchanged base first): chr1-92264545-TGTTCTTAC-T. GRCh37 (hg19) VCF-style: chr1-92730102-TGTTCTTAC-T.
Other names: c.1257+1_1257+8del (NM_001319683.2).
Identifiers: ClinVar variation 5019394 (VCV005019394.2).